The following is an entry in ClinVar:

ClinVar aggregate classification (germline): Uncertain significance. Review status: criteria provided, multiple submitters, no conflicts (2 of 4 stars). 2 submissions from 2 submitters: Uncertain significance (2). Last evaluated 2025-08-19.

Conditions:
Inborn genetic diseases. Identifiers: MedGen C0950123, MeSH D030342.

Allele frequency attached by ClinVar (database versions not stated): gnomAD exomes below 0.00001.
gnomAD v4.1: 1 of 1,208,712 alleles (0.000083%); highest among the groups gnomAD compares: Non-Finnish European, 0.0001%; no homozygotes.

Submissions (2):

Ambry Genetics
Classification: Uncertain significance for Inborn genetic diseases. Last evaluated: 2025-08-19. Review status: criteria provided, single submitter. Criteria: Ambry Variant Classification Scheme 2023. Collection method: clinical testing. Allele origin: germline.

Labcorp Genetics (formerly Invitae), Labcorp
Classification: Uncertain significance. Last evaluated: 2022-08-23. Review status: criteria provided, single submitter. Criteria: Invitae Variant Classification Sherloc (09022015). Collection method: clinical testing. Allele origin: germline.
Comment: This sequence change replaces proline, which is neutral and non-polar, with leucine, which is neutral and non-polar, at codon 31 of the SMARCD2 protein (p.Pro31Leu). This variant is not present in population databases (gnomAD no frequency). This variant has not been reported in the literature in individuals affected with SMARCD2-related conditions. ClinVar contains an entry for this variant (Variation ID: 1496694). Algorithms developed to predict the effect of missense changes on protein structure and function are either unavailable or do not agree on the potential impact of this missense change (SIFT: "Tolerated"; PolyPhen-2: "Not Available"; Align-GVGD: "Class C0"). In summary, the available evidence is currently insufficient to determine the role of this variant in disease. Therefore, it has been classified as a Variant of Uncertain Significance.

NM_001098426.2(SMARCD2):c.92C>T (p.Pro31Leu)

Genes: SMARCD2 (SWI/SNF related BAF chromatin remodeling complex subunit D2; minus strand), LOC130061409 (ATAC-STARR-seq lymphoblastoid silent region 8832; plus strand). Cytogenetic location: 17q23.3.
Variant type: single nucleotide variant.
Coding change: c.92C>T on transcript NM_001098426.2 (MANE Select); coding-DNA position 92, C replaced by T.
Protein change: p.Pro31Leu; replaces proline 31 with leucine.
Molecular consequence: missense variant.
Genome position (GRCh38, 1-based): chr17:63,842,583, G>A on the plus strand (C>T on the coding strand, the complement: SMARCD2 is on the minus strand). VCF-style: chr17-63842583-G-A. GRCh37 (hg19) VCF-style: chr17-61919943-G-A.
Other names: c.92C>T (NM_001098426.1); short protein forms P31L.
Identifiers: ClinVar variation 1496694 (VCV001496694.4), dbSNP rs1422051848, ClinGen allele CA400602240.